The following is an entry in ClinVar:

NM_025114.4(CEP290):c.437del (p.Glu146fs)

Gene: CEP290 (centrosomal protein 290; minus strand). Cytogenetic location: 12q21.32.
Variant type: Deletion.
Coding change: c.437del on transcript NM_025114.4 (MANE Select); coding-DNA position 437, one base deleted (A; older notation c.437delA).
Protein change: p.Glu146fs; shifts the reading frame from glutamic acid 146.
Molecular consequence: frameshift variant.
Genome position (GRCh38, 1-based): chr12:88,136,647, T deleted on the plus strand (A on the coding strand, the reverse complement: CEP290 is on the minus strand). VCF-style (leftmost placement, unchanged base first): chr12-88136646-CT-C. GRCh37 (hg19) VCF-style: chr12-88530423-CT-C.
Other names: c.437del (NM_025114.3); c.437delA (NM_025114.3); short protein forms E146fs.
Identifiers: ClinVar variation 497475 (VCV000497475.21), dbSNP rs1452465499, ClinGen allele CA658797944.

ClinVar aggregate classification (germline): Pathogenic. Review status: criteria provided, multiple submitters, no conflicts (2 of 4 stars). 8 submissions from 8 submitters: Pathogenic (8). Last evaluated 2026-09-08.

Conditions:
CEP290-related disorder. Also called: CEP290-related condition; CEP290-related disorders. Identifiers: MedGen CN239314.
Meckel-Gruber syndrome. Also called: DYSENCEPHALIA SPLANCHNOCYSTICA; GRUBER SYNDROME; Dysencephalia splachnocystica. Identifiers: Orphanet 564, MedGen C0265215, MONDO:0018921.
Joubert syndrome. Also called: JOUBERT-BOLTSHAUSER SYNDROME; Familial aplasia of the vermis. Identifiers: Orphanet 475, MedGen C5979921, MONDO:0018772.
Nephronophthisis. Also called: Juvenile Nephronophthisis. Identifiers: Orphanet 655, MedGen C0687120, MONDO:0019005, HP:0000090.
Leber congenital amaurosis 10 (LCA10). Identifiers: Orphanet 65, MedGen C1857821, MONDO:0012723, OMIM 611755.
Bardet-Biedl syndrome 14 (BBS14). Identifiers: Orphanet 110, MedGen C2673874, MONDO:0014442, OMIM 615991.
Senior-Loken syndrome 6 (SLSN6). Identifiers: Orphanet 3156, MedGen C1857779, MONDO:0012433, OMIM 610189.
Joubert syndrome 5 (JBTS5). Identifiers: Orphanet 2318, MedGen C1857780, MONDO:0012432, OMIM 610188.
Meckel syndrome, type 4 (MKS4). Also called: MECKEL-GRUBER SYNDROME, TYPE 4. Identifiers: Orphanet 564, MedGen C1970161, MONDO:0012626, OMIM 611134.
Leber congenital amaurosis (LCA). Also called: Leber's amaurosis. Identifiers: Orphanet 65, MedGen C0339527, MeSH D057130, MONDO:0018998.

Allele frequency attached by ClinVar (database versions not stated): gnomAD exomes below 0.00001; gnomAD 0.00001; TOPMed 0.00002.

Submissions (8):

PreventionGenetics, part of Exact Sciences
Classification: Pathogenic for CEP290-related condition. Last evaluated: 2026-09-08. Review status: criteria provided, single submitter. Criteria: ACMG Guidelines, 2015. Collection method: clinical testing. Allele origin: germline.
Comment: The CEP290 c.437delA variant is predicted to result in a frameshift and premature protein termination (p.Glu146Glyfs*17). This variant has been reported in the compound heterozygous state in individuals with Leber Congenital Amaurosis (LCA; Table 1, Coppieters et al. 2010. PubMed ID: 20683928; Table S1, Schobers et al. 2024. PubMed ID: 39333430). This variant has not been reported in a large population database (gnomAD), indicating this variant is rare. Frameshift variants in CEP290 are expected to be pathogenic. This variant is interpreted as pathogenic.

Natera, Inc.
Classification: Pathogenic for Leber congenital amaurosis. Last evaluated: 2025-08-28. Review status: criteria provided, single submitter. Criteria: Natera Variant Classification Schema (03/2026). Collection method: clinical testing. Allele origin: germline.
Comment: The c.437delA variant in CEP290 is a frameshift variant predicted to shift the reading frame beginning at codon 146 and leads to a stop codon 17 codons downstream. This variant is expected to result in nonsense mediated decay, truncation, or a dysfunctional protein product. This variant is rare in the general population with a frequency below the threshold expected for the associated phenotype(s). This variant has been observed in one or more individuals affected with the associated recessive disease, as either homozygous or compound heterozygous with a second variant (PMID: 20683928). Given the available evidence, this variant is classified as Pathogenic.

GeneDx
Classification: Pathogenic. Last evaluated: 2025-06-20. Review status: criteria provided, single submitter. Criteria: GeneDx Variant Classification Process June 2021. Collection method: clinical testing. Allele origin: germline. Affected: yes.
Comment: Frameshift variant predicted to result in protein truncation or nonsense mediated decay in a gene for which loss of function is a known mechanism of disease; Not observed at significant frequency in large population cohorts (gnomAD); This variant is associated with the following publications: (PMID: 20683928)

Labcorp Genetics (formerly Invitae), Labcorp
Classification: Pathogenic for Joubert syndrome; Meckel-Gruber syndrome; Nephronophthisis. Last evaluated: 2025-05-04. Review status: criteria provided, single submitter. Criteria: Invitae Variant Classification Sherloc (09022015). Collection method: clinical testing. Allele origin: germline.
Comment: This sequence change creates a premature translational stop signal (p.Glu146Glyfs*17) in the CEP290 gene. It is expected to result in an absent or disrupted protein product. Loss-of-function variants in CEP290 are known to be pathogenic (PMID: 16909394, 17345604, 20690115). This variant is not present in population databases (gnomAD no frequency). This premature translational stop signal has been observed in individual(s) with clinical features of Leber congenital amaurosis (PMID: 20683928). ClinVar contains an entry for this variant (Variation ID: 497475). Algorithms developed to predict the effect of sequence changes on RNA splicing suggest that this variant may disrupt the consensus splice site. For these reasons, this variant has been classified as Pathogenic.

Revvity Omics, Revvity
Classification: Pathogenic. Last evaluated: 2024-09-10. Review status: criteria provided, single submitter. Criteria: ACMG Guidelines, 2015. Collection method: clinical testing. Allele origin: germline.

Baylor Genetics
Classification: Pathogenic for Bardet-Biedl syndrome 14. Last evaluated: 2024-03-14. Review status: criteria provided, single submitter. Criteria: ACMG Guidelines, 2015. Collection method: clinical testing. Allele origin: unknown.

Fulgent Genetics
Classification: Pathogenic for Joubert syndrome 5; Senior-Loken syndrome 6; Meckel syndrome, type 4; Leber congenital amaurosis 10; Bardet-Biedl syndrome 14. Last evaluated: 2022-01-10. Review status: criteria provided, single submitter. Criteria: ACMG Guidelines, 2015. Collection method: clinical testing. Allele origin: unknown.

Eurofins Ntd Llc (ga)
Classification: Pathogenic. Last evaluated: 2016-11-09. Review status: criteria provided, single submitter. Criteria: EGL Classification Definitions 2015. Collection method: clinical testing. Allele origin: germline. Observed: 1 variant allele, 1 heterozygote.

Literature cited by the submitters: PubMed 20683928 (cited by Natera, Inc. and Labcorp Genetics (formerly Invitae), Labcorp); PubMed 16909394 (cited by Labcorp Genetics (formerly Invitae), Labcorp); PubMed 17345604 (cited by Labcorp Genetics (formerly Invitae), Labcorp); PubMed 20690115 (cited by Labcorp Genetics (formerly Invitae), Labcorp).